The following is an entry in ClinVar:

ClinVar aggregate classification (germline): Uncertain significance. Review status: criteria provided, multiple submitters, no conflicts (2 of 4 stars). 2 submissions from 2 submitters: Uncertain significance (2). Last evaluated 2019-05-31.

Conditions:
Neonatal-onset encephalopathy with rigidity and seizures. Also called: Lethal neonatal spasticity-epileptic encephalopathy syndrome. Identifiers: Orphanet 435845, MedGen C3281029, MONDO:0013784, OMIM 614498.

Allele frequency attached by ClinVar (database versions not stated): gnomAD exomes below 0.00001; gnomAD 0.00001; TOPMed 0.00001.
gnomAD v4.1: 8 of 1,548,192 alleles (0.00052%); highest among the groups gnomAD compares: African/African-American, 0.0014%; no homozygotes.

Submissions (2):

GeneDx
Classification: Uncertain significance. Last evaluated: 2019-05-31. Review status: criteria provided, single submitter. Criteria: GeneDx Variant Classification Process June 2021. Collection method: clinical testing. Allele origin: germline. Affected: yes.
Comment: Not observed in large population cohorts (Lek et al., 2016); In silico analysis, which includes protein predictors and evolutionary conservation, supports a deleterious effect; Has not been previously published as pathogenic or benign to our knowledge

Labcorp Genetics (formerly Invitae), Labcorp
Classification: Uncertain significance for Neonatal-onset encephalopathy with rigidity and seizures. Last evaluated: 2019-04-17. Review status: criteria provided, single submitter. Criteria: Invitae Variant Classification Sherloc (09022015). Collection method: clinical testing. Allele origin: germline.
Comment: Algorithms developed to predict the effect of missense changes on protein structure and function output the following: SIFT: "Tolerated"; PolyPhen-2: "Benign"; Align-GVGD: "Class C0". The methionine amino acid residue is found in multiple mammalian species, suggesting that this missense change does not adversely affect protein function. These predictions have not been confirmed by published functional studies and their clinical significance is uncertain. In summary, the available evidence is currently insufficient to determine the role of this variant in disease. Therefore, it has been classified as a Variant of Uncertain Significance. Algorithms developed to predict the effect of sequence changes on RNA splicing suggest that this variant may disrupt the consensus splice site, but this prediction has not been confirmed by published transcriptional studies. This variant has not been reported in the literature in individuals with BRAT1-related conditions. This variant is not present in population databases (ExAC no frequency). This sequence change replaces threonine with methionine at codon 465 of the BRAT1 protein (p.Thr465Met). The threonine residue is highly conserved and there is a moderate physicochemical difference between threonine and methionine.

NM_152743.4(BRAT1):c.1394C>T (p.Thr465Met)

Gene: BRAT1 (BRCA1 associated ATM activator 1; minus strand). Cytogenetic location: 7p22.3.
Variant type: single nucleotide variant.
Coding change: c.1394C>T on transcript NM_152743.4 (MANE Select); coding-DNA position 1394, C replaced by T.
Protein change: p.Thr465Met; replaces threonine 465 with methionine.
Molecular consequence: missense variant. On other transcripts: non-coding transcript variant (1).
Genome position (GRCh38, 1-based): chr7:2,540,980, G>A on the plus strand (C>T on the coding strand, the complement: BRAT1 is on the minus strand). VCF-style: chr7-2540980-G-A. GRCh37 (hg19) VCF-style: chr7-2580614-G-A.
Other names: c.1394C>T, p.Thr465Met (NM_001350626.2); c.869C>T, p.Thr290Met (NM_001350627.2); short protein forms T465M, T290M.
Identifiers: ClinVar variation 849865 (VCV000849865.9), dbSNP rs1021569403, ClinGen allele CA152666928.